The following is an entry in ClinVar:

NM_020457.3(THAP11):c.386_387insACAGCAGCAGCAGCAGCA (p.Gln132_Ser133insGlnGlnGlnGlnGlnGln)

Genes: CENPT (centromere protein T; minus strand), THAP11 (THAP domain containing 11; plus strand). Cytogenetic location: 16q22.1.
Variant type: Microsatellite.
Coding change: c.386_387insACAGCAGCAGCAGCAGCA on transcript NM_020457.3 (MANE Select); coding-DNA positions 386 to 387, ACAGCAGCAGCAGCAGCA inserted.
Protein change: p.Gln132_Ser133insGlnGlnGlnGlnGlnGln.
Molecular consequence: inframe insertion. On other transcripts: intron variant (1).
Genome position: GRCh38 VCF-style: chr16-67842923-G-GCAGCAGCAGCAGCAGCAA. GRCh37 (hg19) VCF-style: chr16-67876826-G-GCAGCAGCAGCAGCAGCAA.
Other names: c.-492+4477_-492+4478insTGCTGCTGCTGCTGCTGT (NM_025082.4).
Identifiers: ClinVar variation 2914513 (VCV002914513.3), dbSNP rs2057774409.

ClinVar aggregate classification (germline): Uncertain significance (1 of 4 stars; one submission).

Submission:

Labcorp Genetics (formerly Invitae), Labcorp
Classification: Uncertain significance. Last evaluated: 2025-09-06. Review status: criteria provided, single submitter. Criteria: Invitae Variant Classification Sherloc (09022015). Collection method: clinical testing. Allele origin: germline.
Comment: This variant, c.386_387insACAGCAGCAGCAGCAGCA, results in the insertion of 6 amino acid(s) of the THAP11 protein (p.Gln127_Gln132dup), but otherwise preserves the integrity of the reading frame. This variant is not present in population databases (gnomAD no frequency). This variant has not been reported in the literature in individuals affected with THAP11-related conditions. In summary, the available evidence is currently insufficient to determine the role of this variant in disease. Therefore, it has been classified as a Variant of Uncertain Significance.